The following is an entry in ClinVar:

ClinVar aggregate classification (germline): Likely benign. Review status: criteria provided, multiple submitters, no conflicts (2 of 4 stars). 3 submissions from 3 submitters: Likely benign (2). 1 of the submissions does not count toward it. Last evaluated 2025-09-10.

Conditions:
PPP2R5D-related disorder. Also called: PPP2R5D-related condition.

Allele frequency attached by ClinVar (database versions not stated): ExAC 0.00002; gnomAD exomes 0.00002 and 0.00004; TOPMed 0.00009.
gnomAD v4.1: 11 of 1,613,374 alleles (0.00068%); highest among the groups gnomAD compares: Admixed American, 0.018%; no homozygotes.

Submissions (3):

Labcorp Genetics (formerly Invitae), Labcorp
Classification: Likely benign. Last evaluated: 2025-09-10. Review status: criteria provided, single submitter. Criteria: Invitae Variant Classification Sherloc (09022015). Collection method: clinical testing. Allele origin: germline.

GeneDx
Classification: Likely benign. Last evaluated: 2021-08-04. Review status: criteria provided, single submitter. Criteria: GeneDx Variant Classification Process June 2021. Collection method: clinical testing. Allele origin: germline. Affected: yes.

PreventionGenetics, part of Exact Sciences
Classification: Likely benign for PPP2R5D-related condition. Last evaluated: 2019-10-28. Review status: no assertion criteria provided. Collection method: clinical testing. Allele origin: germline. Not counted in ClinVar's aggregate classification.
Comment: This variant is classified as likely benign based on ACMG/AMP sequence variant interpretation guidelines (Richards et al. 2015 PMID: 25741868, with internal and published modifications).

NM_006245.4(PPP2R5D):c.135G>A (p.Gln45=)

Gene: PPP2R5D (protein phosphatase 2 regulatory subunit B'delta; plus strand). Cytogenetic location: 6p21.1.
Variant type: single nucleotide variant.
Coding change: c.135G>A on transcript NM_006245.4 (MANE Select); coding-DNA position 135, G replaced by A.
Protein change: p.Gln45=; no amino-acid change (glutamine 45 retained).
Molecular consequence: synonymous variant. On other transcripts: 5 prime UTR variant (1), intron variant (1).
Genome position (GRCh38, 1-based): chr6:43,006,492, G>A. VCF-style: chr6-43006492-G-A. GRCh37 (hg19) VCF-style: chr6-42974230-G-A.
Other names: c.-319G>A (NM_001270476.2); c.135G>A, p.Gln45= (NM_180976.3); c.28-442G>A (NM_180977.3).
Identifiers: ClinVar variation 1198036 (VCV001198036.12), dbSNP rs759796179, ClinGen allele CA3811759.
Genomic context (GRCh38, chr6:43,006,492, plus strand): 5'-GTGGATTTCAACAGGTGACTTGTTTGACCAGGCCCAGCCGCAGCCCCAGCCCCAGCCCCA[G>A]CCCCAAGCCCAGTCTCAGCCACCGTCATCCAACAAGCGTCCCAGCAATAGCACGCCGCCC-3'
Protein context (NP_006236.1, residues 35-55): EAQPQPQPQP[Gln45=]PQAQSQPPSS